The following is an entry in ClinVar:

ClinVar aggregate classification (germline): Uncertain significance (1 of 4 stars; one submission).

Conditions:
Inborn genetic diseases. Identifiers: MedGen C0950123, MeSH D030342.

Submission:

Ambry Genetics
Classification: Uncertain significance for Inborn genetic diseases. Last evaluated: 2021-05-27. Review status: criteria provided, single submitter. Criteria: Ambry Variant Classification Scheme 2023. Collection method: clinical testing. Allele origin: germline.
Comment: The c.11480A>G (p.Q3827R) alteration is located in exon 72 (coding exon 71) of the TRRAP gene. This alteration results from an A to G substitution at nucleotide position 11480, causing the glutamine (Q) at amino acid position 3827 to be replaced by an arginine (R). Based on data from the Genome Aggregation Database (gnomAD), the TRRAP c.11480A>G alteration was not observed, with coverage at this position. This amino acid position is highly conserved in available vertebrate species. This missense alteration is located in a region that has a low rate of benign missense variation (Lek, 2016; Firth, 2009) The p.Q3827R alteration is predicted to be tolerated by in silico analysis. Based on insufficient or conflicting evidence, the clinical significance of this alteration remains unclear.

NM_001375524.1(TRRAP):c.11522A>G (p.Gln3841Arg)

Gene: TRRAP (transformation/transcription domain associated protein; plus strand). Cytogenetic location: 7q22.1.
Variant type: single nucleotide variant.
Coding change: c.11522A>G on transcript NM_001375524.1 (MANE Select); coding-DNA position 11522, A replaced by G.
Protein change: p.Gln3841Arg; replaces glutamine 3841 with arginine.
Molecular consequence: missense variant.
Genome position (GRCh38, 1-based): chr7:99,012,255, A>G. VCF-style: chr7-99012255-A-G. GRCh37 (hg19) VCF-style: chr7-98609878-A-G.
Other names: c.11480A>G, p.Gln3827Arg (NM_001244580.2); c.11393A>G, p.Gln3798Arg (NM_003496.4); short protein forms Q3798R, Q3841R, Q3827R.
Identifiers: ClinVar variation 2230958 (VCV002230958.2), dbSNP rs2485086021, ClinGen allele CA368344904.